The following is an entry in ClinVar:

NM_001848.3(COL6A1):c.941G>A (p.Gly314Glu)

Gene: COL6A1 (collagen type VI alpha 1 chain; plus strand). Cytogenetic location: 21q22.3.
Variant type: single nucleotide variant.
Coding change: c.941G>A on transcript NM_001848.3 (MANE Select); coding-DNA position 941, G replaced by A.
Protein change: p.Gly314Glu; replaces glycine 314 with glutamic acid.
Molecular consequence: missense variant.
Genome position (GRCh38, 1-based): chr21:45,990,268, G>A. VCF-style: chr21-45990268-G-A. GRCh37 (hg19) VCF-style: chr21-47410182-G-A.
Other names: short protein forms G314E.
Identifiers: ClinVar variation 499030 (VCV000499030.12), dbSNP rs1556425679, ClinGen allele CA410522485.

ClinVar aggregate classification (germline): Conflicting classifications of pathogenicity. Review status: criteria provided, conflicting classifications (1 of 4 stars). 2 submissions from 2 submitters: Likely pathogenic (1); Uncertain significance (1). Last evaluated 2024-08-29.

Conditions:
Bethlem myopathy 1A. Also called: MYOPATHY, BENIGN CONGENITAL, WITH CONTRACTURES; Bethlem myopathy 1; Bethlem Muscular Dystrophy. Identifiers: Orphanet 610, MedGen CN029274, MONDO:0024530, OMIM 158810.

Submissions (2):

Labcorp Genetics (formerly Invitae), Labcorp
Classification: Uncertain significance for Bethlem myopathy 1A. Last evaluated: 2024-08-29. Review status: criteria provided, single submitter. Criteria: Invitae Variant Classification Sherloc (09022015). Collection method: clinical testing. Allele origin: germline.
Comment: This sequence change replaces glycine, which is neutral and non-polar, with glutamic acid, which is acidic and polar, at codon 314 of the COL6A1 protein (p.Gly314Glu). This variant is not present in population databases (gnomAD no frequency). This missense change has been observed in individual(s) with clinical features of COL6A1-related conditions (internal data). ClinVar contains an entry for this variant (Variation ID: 499030). Invitae Evidence Modeling of protein sequence and biophysical properties (such as structural, functional, and spatial information, amino acid conservation, physicochemical variation, residue mobility, and thermodynamic stability) indicates that this missense variant is expected to disrupt COL6A1 protein function with a positive predictive value of 95%. This variant disrupts the triple helix domain of COL6A1. Glycine residues within the Gly-Xaa-Yaa repeats of the triple helix domain are required for the structure and stability of fibrillar collagens (PMID: 7695699, 8218237, 19344236). In COL6A1, variants at these glycine residues are significantly enriched in individuals with autosomal dominant disease (PMID: 15689448, 24038877) compared to the general population (ExAC). In summary, the available evidence is currently insufficient to determine the role of this variant in disease. Therefore, it has been classified as a Variant of Uncertain Significance.

Eurofins Ntd Llc (ga)
Classification: Likely pathogenic. Last evaluated: 2016-12-30. Review status: criteria provided, single submitter. Criteria: EGL Classification Definitions 2015. Collection method: clinical testing. Allele origin: germline. Observed: 2 variant alleles, 2 heterozygotes.

Literature cited by the submitters: PubMed 7695699 (cited by Labcorp Genetics (formerly Invitae), Labcorp); PubMed 8218237 (cited by Labcorp Genetics (formerly Invitae), Labcorp); PubMed 19344236 (cited by Labcorp Genetics (formerly Invitae), Labcorp); PubMed 15689448 (cited by Labcorp Genetics (formerly Invitae), Labcorp); PubMed 24038877 (cited by Labcorp Genetics (formerly Invitae), Labcorp).